The following is an entry in ClinVar:

ClinVar aggregate classification (germline): Uncertain significance (1 of 4 stars; one submission).

Conditions:
Familial cold autoinflammatory syndrome 3 (FCAS3). Also called: FAMILIAL ATYPICAL COLD URTICARIA; ANTIBODY DEFICIENCY AND IMMUNE DYSREGULATION, PLCG2-ASSOCIATED. Identifiers: Orphanet 300359, MedGen C3280914, MONDO:0013766, OMIM 614468.

Submission:

Labcorp Genetics (formerly Invitae), Labcorp
Classification: Uncertain significance for Familial cold autoinflammatory syndrome 3. Last evaluated: 2018-12-20. Review status: criteria provided, single submitter. Criteria: Invitae Variant Classification Sherloc (09022015). Collection method: clinical testing. Allele origin: germline.
Comment: This sequence change replaces glutamine with leucine at codon 1056 of the PLCG2 protein (p.Gln1056Leu). The glutamine residue is weakly conserved and there is a moderate physicochemical difference between glutamine and leucine. This variant is not present in population databases (ExAC no frequency). This variant has not been reported in the literature in individuals with PLCG2-related conditions. Algorithms developed to predict the effect of missense changes on protein structure and function (SIFT, PolyPhen-2, Align-GVGD) all suggest that this variant is likely to be tolerated, but these predictions have not been confirmed by published functional studies and their clinical significance is uncertain. In summary, the available evidence is currently insufficient to determine the role of this variant in disease. Therefore, it has been classified as a Variant of Uncertain Significance.

NM_002661.5(PLCG2):c.3166_3167delinsTT (p.Gln1056Leu)

Gene: PLCG2 (phospholipase C gamma 2; plus strand). Cytogenetic location: 16q23.3.
Variant type: Indel.
Coding change: c.3166_3167delinsTT on transcript NM_002661.5 (MANE Select); coding-DNA positions 3166 to 3167, CA replaced by TT.
Protein change: p.Gln1056Leu; replaces glutamine 1056 with leucine.
Molecular consequence: missense variant.
Genome position (GRCh38, 1-based): chr16:81,937,871-81,937,872, CA replaced by TT. VCF-style: chr16-81937871-CA-TT. GRCh37 (hg19) VCF-style: chr16-81971476-CA-TT.
Other names: short protein forms Q1056L.
Identifiers: ClinVar variation 651616 (VCV000651616.7), dbSNP rs1597144802, ClinGen allele CA915949366.